The following is an entry in ClinVar:

ClinVar aggregate classification (germline): Uncertain significance (1 of 4 stars; one submission).

Conditions:
Cardiomyopathy (CMYO). Also called: Cardiomyopathies. Identifiers: Orphanet 167848, MedGen C0878544, MONDO:0004994, HP:0001638. Inheritance: Various modes of inheritance.

Submission:

Color Diagnostics, LLC DBA Color Health
Classification: Uncertain significance for Cardiomyopathy. Last evaluated: 2025-09-05. Review status: criteria provided, single submitter. Criteria: ACMG Guidelines, 2015. Collection method: clinical testing. Allele origin: germline.
Comment: This missense variant replaces glycine with valine at codon 1148 of the RYR2 protein. Computational prediction suggests that this variant may not impact protein structure and function. To our knowledge, functional studies have not been reported for this variant. This variant has not been reported in individuals affected with RYR2-related disorders in the literature. This variant has not been identified in the general population by the Genome Aggregation Database (gnomAD). The available evidence is insufficient to determine the role of this variant in disease conclusively. Therefore, this variant is classified as a Variant of Uncertain Significance.

NM_001035.3(RYR2):c.3443G>T (p.Gly1148Val)

Gene: RYR2 (ryanodine receptor 2; plus strand). Cytogenetic location: 1q43.
Variant type: single nucleotide variant.
Coding change: c.3443G>T on transcript NM_001035.3 (MANE Select); coding-DNA position 3443, G replaced by T.
Protein change: p.Gly1148Val; replaces glycine 1148 with valine.
Molecular consequence: missense variant.
Genome position (GRCh38, 1-based): chr1:237,569,164, G>T. VCF-style: chr1-237569164-G-T. GRCh37 (hg19) VCF-style: chr1-237732464-G-T.
Other names: short protein forms G1148V.
Identifiers: ClinVar variation 4757976 (VCV004757976.1).
Genomic context (GRCh38, chr1:237,569,164, plus strand): 5'-GGCTTAGTCTGTGACAAGGGACTTTTCTGTCCTCTGTATAGGCCCAGCGGTGGCATCAGG[G>T]CAATGAACACTATGGGCGCTCTTGGCAAGCAGGCGATGTCGTGGGGTGTATGGTTGACAT-3'
Protein context (NP_001026.2, residues 1138-1158): DGFKAQRWHQ[Gly1148Val]NEHYGRSWQA